The following is an entry in ClinVar:

NM_006371.5(CRTAP):c.1069-246C>A

Gene: CRTAP (cartilage associated protein; plus strand). Cytogenetic location: 3p22.3.
Variant type: single nucleotide variant.
Coding change: c.1069-246C>A on transcript NM_006371.5 (MANE Select); 246 bases into the intron before coding-DNA position 1069, C replaced by A.
Molecular consequence: intron variant.
Genome position (GRCh38, 1-based): chr3:33,133,936, C>A. VCF-style: chr3-33133936-C-A. GRCh37 (hg19) VCF-style: chr3-33175428-C-A.
Other names: c.1068+1236C>A (NM_001393363.1); c.940-246C>A (NM_001393364.1); c.919-246C>A (NM_001393365.1).
Identifiers: ClinVar variation 674036 (VCV000674036.1), dbSNP rs34970981, ClinGen allele CA72669845.

ClinVar aggregate classification (germline): Benign (1 of 4 stars; one submission).

Allele frequency attached by ClinVar (database versions not stated): 1000 Genomes Project 30x 0.02998; 1000 Genomes Project 0.03035; TOPMed 0.06105; gnomAD 0.06457 and 0.06657.
gnomAD v4.1: 9,875 of 152,222 alleles (6.5%); highest among the groups gnomAD compares: Non-Finnish European, 9.9%; 450 homozygotes.

Submission:

GeneDx
Classification: Benign. Last evaluated: 2018-06-19. Review status: criteria provided, single submitter. Criteria: GeneDx Variant Classification (06012015). Collection method: clinical testing. Allele origin: germline. Affected: yes.
Comment: This variant is considered likely benign or benign based on one or more of the following criteria: it is a conservative change, it occurs at a poorly conserved position in the protein, it is predicted to be benign by multiple in silico algorithms, and/or has population frequency not consistent with disease.